The following is an entry in ClinVar:

NM_020806.5(GPHN):c.1797T>C (p.Asp599=)

Gene: GPHN (gephyrin; plus strand). Cytogenetic location: 14q23.3.
Variant type: single nucleotide variant.
Coding change: c.1797T>C on transcript NM_020806.5 (MANE Select); coding-DNA position 1797, T replaced by C.
Protein change: p.Asp599=; no amino-acid change (aspartic acid 599 retained).
Molecular consequence: synonymous variant.
Genome position (GRCh38, 1-based): chr14:67,143,410, T>C. VCF-style: chr14-67143410-T-C. GRCh37 (hg19) VCF-style: chr14-67610127-T-C.
Other names: p.Asp599=; c.1698T>C, p.Asp566= (NM_001024218.2); c.1857T>C, p.Asp619= (NM_001377514.1); c.1827T>C, p.Asp609= (NM_001377515.1); c.1818T>C, p.Asp606= (NM_001377516.1); c.1770T>C, p.Asp590= (NM_001377517.1); c.1755T>C, p.Asp585= (NM_001377518.1); c.1737T>C, p.Asp579= (NM_001377519.1).
Identifiers: ClinVar variation 466203 (VCV000466203.44), dbSNP rs41285476, ClinGen allele CA7234180.

ClinVar aggregate classification (germline): Benign/Likely benign. Review status: criteria provided, multiple submitters, no conflicts (2 of 4 stars). 6 submissions from 6 submitters: Benign (2); Likely benign (4). Last evaluated 2026-02-03.

Conditions:
Hyperekplexia 1 (STHE). Also called: HYPEREKPLEXIA 1, AUTOSOMAL DOMINANT; HYPEREKPLEXIA 1, AUTOSOMAL RECESSIVE; STARTLE DISEASE, FAMILIAL; STIFF-BABY SYNDROME; STIFF-MAN SYNDROME, CONGENITAL; STIFF-PERSON SYNDROME, CONGENITAL. Identifiers: Orphanet 3197, MedGen C4551954, MONDO:0007868, OMIM 149400.
Sulfite oxidase deficiency due to molybdenum cofactor deficiency type C. Also called: Molybdenum cofactor deficiency, complementation group C; Molybdenum cofactor deficiency C. Identifiers: Orphanet 308400, Orphanet 833, MedGen C1854990, MONDO:0014212, OMIM 615501.

Allele frequency attached by ClinVar (database versions not stated): ESP Exome Variant Server 0.00292; 1000 Genomes Project 0.00300; TOPMed 0.00317; 1000 Genomes Project 30x 0.00344; ExAC 0.00406.
gnomAD v4.1: 6,770 of 1,610,834 alleles (0.42%); highest among the groups gnomAD compares: South Asian, 0.98%; 33 homozygotes.

Submissions (6):

Labcorp Genetics (formerly Invitae), Labcorp
Classification: Benign for Sulfite oxidase deficiency due to molybdenum cofactor deficiency type C. Last evaluated: 2026-02-03. Review status: criteria provided, single submitter. Criteria: Invitae Variant Classification Sherloc (09022015). Collection method: clinical testing. Allele origin: germline.

Mayo Clinic Laboratories, Mayo Clinic
Classification: Benign. Last evaluated: 2025-01-13. Review status: criteria provided, single submitter. Criteria: ACMG Guidelines, 2015. Collection method: clinical testing. Allele origin: germline. Observed: 1 variant allele.
Comment: BA1, BP4, BP7

Blueprint Genetics
Classification: Likely benign. Last evaluated: 2024-11-21. Review status: criteria provided, single submitter. Criteria: ACMG Guidelines, 2015. Collection method: clinical testing. Allele origin: germline.

CeGaT Center for Human Genetics Tuebingen
Classification: Likely benign. Last evaluated: 2024-09-01. Review status: criteria provided, single submitter. Criteria: CeGaT Center For Human Genetics Tuebingen Variant Classification Criteria Version 2. Collection method: clinical testing. Allele origin: germline. Affected: yes. Observed: 5 variant alleles.
Comment: GPHN: BP4, BS2

Fulgent Genetics
Classification: Likely benign for Hyperekplexia 1; Sulfite oxidase deficiency due to molybdenum cofactor deficiency type C. Last evaluated: 2021-12-16. Review status: criteria provided, single submitter. Criteria: ACMG Guidelines, 2015. Collection method: clinical testing. Allele origin: unknown.

GeneDx
Classification: Likely benign. Last evaluated: 2020-09-24. Review status: criteria provided, single submitter. Criteria: GeneDx Variant Classification Process June 2021. Collection method: clinical testing. Allele origin: germline. Affected: yes.